The following is an entry in ClinVar:

ClinVar aggregate classification (germline): Uncertain significance. Review status: criteria provided, multiple submitters, no conflicts (2 of 4 stars). 2 submissions from 2 submitters: Uncertain significance (2). Last evaluated 2025-12-01.

Conditions:
Neutral lipid storage myopathy (NLSDM). Also called: NEUTRAL LIPID STORAGE DISEASE WITHOUT ICHTHYOSIS. Identifiers: Orphanet 98908, MedGen C1853136, MONDO:0012545, OMIM 610717.

Allele frequency attached by ClinVar (database versions not stated): gnomAD exomes 0.00002; TOPMed 0.00003; ExAC 0.00004; ESP Exome Variant Server 0.00015.
gnomAD v4.1: 41 of 1,607,488 alleles (0.0026%); highest among the groups gnomAD compares: African/African-American, 0.0053%; no homozygotes.

Submissions (2):

CeGaT Center for Human Genetics Tuebingen
Classification: Uncertain significance. Last evaluated: 2025-12-01. Review status: criteria provided, single submitter. Criteria: CeGaT Center For Human Genetics Tuebingen Variant Classification Criteria Version 2. Collection method: clinical testing. Allele origin: germline. Affected: yes. Observed: 1 variant allele.
Comment: PNPLA2: PM2, BP4

Labcorp Genetics (formerly Invitae), Labcorp
Classification: Uncertain significance for Neutral lipid storage myopathy. Last evaluated: 2021-09-01. Review status: criteria provided, single submitter. Criteria: Invitae Variant Classification Sherloc (09022015). Collection method: clinical testing. Allele origin: germline.
Comment: This sequence change replaces alanine with glycine at codon 284 of the PNPLA2 protein (p.Ala284Gly). The alanine residue is weakly conserved and there is a small physicochemical difference between alanine and glycine. This variant is present in population databases (rs369213107, ExAC 0.02%). This variant has not been reported in the literature in individuals affected with PNPLA2-related conditions. Algorithms developed to predict the effect of missense changes on protein structure and function output the following: SIFT: "Tolerated"; PolyPhen-2: "Benign"; Align-GVGD: "Class C0". The glycine amino acid residue is found in multiple mammalian species, which suggests that this missense change does not adversely affect protein function. In summary, the available evidence is currently insufficient to determine the role of this variant in disease. Therefore, it has been classified as a Variant of Uncertain Significance.

NM_020376.4(PNPLA2):c.851C>G (p.Ala284Gly)

Gene: PNPLA2 (patatin like domain 2, triacylglycerol lipase; plus strand). Cytogenetic location: 11p15.5.
Variant type: single nucleotide variant.
Coding change: c.851C>G on transcript NM_020376.4 (MANE Select); coding-DNA position 851, C replaced by G.
Protein change: p.Ala284Gly; replaces alanine 284 with glycine.
Molecular consequence: missense variant.
Genome position (GRCh38, 1-based): chr11:823,787, C>G. VCF-style: chr11-823787-C-G. GRCh37 (hg19) VCF-style: chr11-823787-C-G.
Other names: short protein forms A284G.
Identifiers: ClinVar variation 1503555 (VCV001503555.10), dbSNP rs369213107, ClinGen allele CA5791200.
Genomic context (GRCh38, chr11:823,787, plus strand): 5'-TGCCCCCCGCCCGCCCCCACGGCCCAGAGGACAAGGACCAGGCAGTGGAGAGCGCCCAAG[C>G]GGAGGATTACTCGCAGCTGCCCGGAGAAGATCACATCCTGGAGCACCTGCCCGCCCGGCT-3'
Protein context (NP_065109.1, residues 274-294): DKDQAVESAQ[Ala284Gly]EDYSQLPGED